The following is an entry in ClinVar:

ClinVar aggregate classification (germline): Uncertain significance. Review status: reviewed by expert panel (3 of 4 stars). 3 submissions from 3 submitters: Uncertain significance (1). 2 of the submissions do not count toward it. Last evaluated 2025-08-01.

Conditions:
RYR1-related disorder. Also called: RYR1-related disorders; RYR1-related condition. Identifiers: MedGen CN239331.
Malignant hyperthermia, susceptibility to, 1 (MHS1). Also called: RYR1-Related Malignant Hyperthermia Susceptibility; Anesthesia related hyperthermia; Malignant hyperpyrexia; Fulminating hyperpyrexia; Pharmacogenic myopathy; Malignant hyperthermia suceptibility 1. Identifiers: Orphanet 423, MedGen C2930980, MONDO:0007783, OMIM 145600.
Malignant hyperthermia of anesthesia. Also called: Anesthesic-triggered malignant hyperthermia. Identifiers: Orphanet 423, MedGen C0024591, MONDO:0018493, HP:0034733.

Submissions (3):

ClinGen Malignant Hyperthermia Susceptibility Variant Curation Expert Panel, ClinGen
Classification: Uncertain significance for Malignant hyperthermia, susceptibility to, 1. Last evaluated: 2025-08-01. Review status: reviewed by expert panel. Criteria: ClinGen MHS ACMG Specifications V2. Collection method: curation. Allele origin: germline. Inheritance: Autosomal dominant inheritance.
Comment: This pathogenicity assessment is relevant only for malignant hyperthermia susceptibility (MHS) inherited in an autosomal dominant pattern. Variants in RYR1 can also cause other myopathies inherited in an autosomal dominant pattern or in an autosomal recessive pattern. Some of these disorders may predispose individuals to malignant hyperthermia. RYR1 variants may also contribute to a malignant hyperthermia reaction in combination with other genetic and non-genetic factors and the clinician needs to consider such factors in making management decisions. This sequence variant predicts a substitution of cysteine with tyrosine at codon 2237 of the RYR1 protein, p.Cys2237Tyr. This variant was not present in a large population database (gnomAD) at the time this variant was interpreted. This variant has been reported in an individual with a personal or family history of an MH episode and a positive in vitro contracture test (IVCT) or caffeine halothane contracture test (CHCT) result (if the proband was unavailable for testing, a positive diagnostic test result in a mutation-positive relative was counted), PS4_Supporting (PMID:24433488). No functional studies were identified for this variant. This variant resides in a region of RYR1 considered to be a hotspot for pathogenic variants that contribute to MHS, PM1 (PMID: 21118704). A REVEL score >0.85 (0.939) supports a pathogenic status for this variant, PP3_Moderate. This variant has been classified as a Variant of Unknown Significance. Criteria implemented: PS4_Supporting, PM1, PP3_Moderate.

Labcorp Genetics (formerly Invitae), Labcorp
Classification: Pathogenic for RYR1-related disorder. Last evaluated: 2021-08-26. Review status: criteria provided, single submitter. Criteria: Invitae Variant Classification Sherloc (09022015). Collection method: clinical testing. Allele origin: germline. Not counted in ClinVar's aggregate classification.
Comment: This sequence change replaces cysteine with tyrosine at codon 2237 of the RYR1 protein (p.Cys2237Tyr). The cysteine residue is highly conserved and there is a large physicochemical difference between cysteine and tyrosine. This variant is not present in population databases (ExAC no frequency). This missense change has been observed in individual(s) with malignant hyperthermia susceptibility (PMID: 25960145). It has also been observed to segregate with disease in related individuals. Advanced modeling of protein sequence and biophysical properties (such as structural, functional, and spatial information, amino acid conservation, physicochemical variation, residue mobility, and thermodynamic stability) performed at Invitae indicates that this missense variant is expected to disrupt RYR1 protein function. For these reasons, this variant has been classified as Pathogenic.

deCODE genetics, Amgen
Classification: Likely pathogenic for Malignant hyperthermia. Last evaluated: 2020-07-01. Review status: no assertion criteria provided. Collection method: clinical testing. Allele origin: germline. Inheritance: Autosomal dominant inheritance. Affected: yes. Not counted in ClinVar's aggregate classification.

Literature cited by the submitters: PubMed 25960145 (cited by Labcorp Genetics (formerly Invitae), Labcorp).

NM_000540.3(RYR1):c.6710G>A (p.Cys2237Tyr)

Gene: RYR1 (ryanodine receptor 1; plus strand). Cytogenetic location: 19q13.2.
Variant type: single nucleotide variant.
Coding change: c.6710G>A on transcript NM_000540.3 (MANE Select); coding-DNA position 6710, G replaced by A.
Protein change: p.Cys2237Tyr; replaces cysteine 2237 with tyrosine.
Molecular consequence: missense variant.
Genome position (GRCh38, 1-based): chr19:38,496,455, G>A. VCF-style: chr19-38496455-G-A. GRCh37 (hg19) VCF-style: chr19-38987095-G-A.
Other names: c.6710G>A, p.Cys2237Tyr (NM_001042723.2); short protein forms C2237Y.
Identifiers: ClinVar variation 1065119 (VCV001065119.14), dbSNP rs2145586397, ClinGen allele CA405666261.
Genomic context (GRCh38, chr19:38,496,455, plus strand): 5'-CCTGCCTGTCCCAGGAGATCCGCTTCCCCAAGATGGTGACAAGCTGCTGCCGCTTCCTCT[G>A]CTATTTCTGCCGAATCAGCCGGCAGAACCAGCGCTCCATGTTTGACCACCTGAGCTACCT-3'
Protein context (NP_000531.2, residues 2227-2247): KMVTSCCRFL[Cys2237Tyr]YFCRISRQNQ